The following is an entry in ClinVar:

NM_006563.5(KLF1):c.*454C>G

Gene: KLF1 (KLF transcription factor 1; minus strand). Cytogenetic location: 19p13.13.
Variant type: single nucleotide variant.
Coding change: c.*454C>G on transcript NM_006563.5 (MANE Select); 454 bases downstream of the stop codon, C replaced by G.
Molecular consequence: 3 prime UTR variant.
Genome position (GRCh38, 1-based): chr19:12,884,431, G>C on the plus strand (C>G on the coding strand, the complement: KLF1 is on the minus strand). VCF-style: chr19-12884431-G-C. GRCh37 (hg19) VCF-style: chr19-12995245-G-C.
Identifiers: ClinVar variation 328303 (VCV000328303.5), dbSNP rs538356283, ClinGen allele CA10642336.

ClinVar aggregate classification (germline): Benign (1 of 4 stars; one submission).

Conditions:
Anemia, congenital dyserythropoietic, type IVa. Also called: Congenital dyserythropoietic anemia type 4; Congenital dyserythropoietic anemia, type IV; CDA, TYPE IVa. Identifiers: Orphanet 293825, MedGen C3150926, MONDO:0013355, OMIM 613673.

Allele frequency attached by ClinVar (database versions not stated): TOPMed 0.00036; 1000 Genomes Project 0.00040; gnomAD 0.00033 and 0.00035; 1000 Genomes Project 30x 0.00062.

Submission:

Illumina Laboratory Services, Illumina
Classification: Benign for Anemia, congenital dyserythropoietic, type IVa. Last evaluated: 2018-01-13. Review status: criteria provided, single submitter. Criteria: ICSL Variant Classification Criteria 13 December 2019. Collection method: clinical testing. Allele origin: germline.
Comment: This variant was observed in the ICSL laboratory as part of a predisposition screen in an ostensibly healthy population. It had not been previously curated by ICSL or reported in the Human Gene Mutation Database (HGMD: prior to June 1st, 2018), and was therefore a candidate for classification through an automated scoring system. Utilizing variant allele frequency, disease prevalence and penetrance estimates, and inheritance mode, an automated score was calculated to assess if this variant is too frequent to cause the disease. Based on the score and internal cut-off values, a variant classified as benign is not then subjected to further curation. The score for this variant resulted in a classification of benign for this disease.